The following is an entry in ClinVar:

NM_022455.5(NSD1):c.7748del (p.Met2583fs)

Gene: NSD1 (nuclear receptor binding SET domain protein 1; plus strand). Cytogenetic location: 5q35.3.
Variant type: Deletion.
Coding change: c.7748del on transcript NM_022455.5 (MANE Select); coding-DNA position 7748, one base deleted (T; older notation c.7748delT).
Protein change: p.Met2583fs; shifts the reading frame from methionine 2583.
Molecular consequence: frameshift variant.
Genome position (GRCh38, 1-based): chr5:177,295,116, T deleted. VCF-style (leftmost placement, unchanged base first): chr5-177295115-AT-A. GRCh37 (hg19) VCF-style: chr5-176722116-AT-A.
Other names: c.7748delT, p.Met2583Argfs (NM_001409303.1, NM_001409301.1, NM_001409302.1); c.7328delT, p.Met2443Argfs (NM_001409304.1); c.6995delT, p.Met2332Argfs (NM_001409305.1); c.6986delT, p.Met2329Argfs (NM_001409306.1, NM_001409307.1); c.6875delT, p.Met2292Argfs (NM_001409308.1, NM_172349.5, NM_001365684.2); c.6626delT, p.Met2209Argfs (NM_001409309.1); short protein forms M2314fs, M2583fs.
Identifiers: ClinVar variation 575799 (VCV000575799.9), dbSNP rs1562311573, ClinGen allele CA891842458.

ClinVar aggregate classification (germline): Uncertain significance (1 of 4 stars; one submission).

Submission:

Labcorp Genetics (formerly Invitae), Labcorp
Classification: Uncertain significance. Last evaluated: 2023-12-18. Review status: criteria provided, single submitter. Criteria: Invitae Variant Classification Sherloc (09022015). Collection method: clinical testing. Allele origin: germline.
Comment: This sequence change creates a premature translational stop signal (p.Met2583Argfs*36) in the NSD1 gene. While this is not anticipated to result in nonsense mediated decay, it is expected to disrupt the last 114 amino acid(s) of the NSD1 protein. This variant is not present in population databases (gnomAD no frequency). This variant has not been reported in the literature in individuals affected with NSD1-related conditions. ClinVar contains an entry for this variant (Variation ID: 575799). Experimental studies and prediction algorithms are not available or were not evaluated, and the functional significance of this variant is currently unknown. In summary, the available evidence is currently insufficient to determine the role of this variant in disease. Therefore, it has been classified as a Variant of Uncertain Significance.